The following is an entry in ClinVar:

ClinVar aggregate classification (germline): Benign. Review status: criteria provided, multiple submitters, no conflicts (2 of 4 stars). 3 submissions from 3 submitters: Benign (2). 1 of the submissions does not count toward it. Last evaluated 2026-02-01.

Conditions:
SOX9-related disorder. Also called: SOX9-related condition.
Camptomelic dysplasia (CMPD). Also called: Campomelic Dysplasia; CMPD1/SRA1. Identifiers: Orphanet 140, MedGen C1861922, MONDO:0007251, OMIM 114290.

Allele frequency attached by ClinVar (database versions not stated): TOPMed 0.00007; gnomAD 0.00009 and 0.00002; gnomAD exomes 0.00029 and 0.00055; 1000 Genomes Project 30x 0.00031; 1000 Genomes Project 0.00040; ExAC 0.00070.

Submissions (3):

CeGaT Center for Human Genetics Tuebingen
Classification: Benign. Last evaluated: 2026-02-01. Review status: criteria provided, single submitter. Criteria: CeGaT Center For Human Genetics Tuebingen Variant Classification Criteria Version 2. Collection method: clinical testing. Allele origin: germline. Affected: yes. Observed: 4 variant alleles.
Comment: SOX9: BS1, BS2

Labcorp Genetics (formerly Invitae), Labcorp
Classification: Benign for Camptomelic dysplasia. Last evaluated: 2025-09-09. Review status: criteria provided, single submitter. Criteria: Invitae Variant Classification Sherloc (09022015). Collection method: clinical testing. Allele origin: germline.

PreventionGenetics, part of Exact Sciences
Classification: Likely benign for SOX9-related condition. Last evaluated: 2019-06-11. Review status: no assertion criteria provided. Collection method: clinical testing. Allele origin: germline. Not counted in ClinVar's aggregate classification.
Comment: This variant is classified as likely benign based on ACMG/AMP sequence variant interpretation guidelines (Richards et al. 2015 PMID: 25741868, with internal and published modifications).

NM_000346.4(SOX9):c.76A>G (p.Met26Val)

Genes: SOX9 (SRY-box transcription factor 9; plus strand), LOC108021846 (SOX9 promoter region; plus strand). Cytogenetic location: 17q24.3.
Variant type: single nucleotide variant.
Coding change: c.76A>G on transcript NM_000346.4 (MANE Select); coding-DNA position 76, A replaced by G.
Protein change: p.Met26Val; replaces methionine 26 with valine.
Molecular consequence: missense variant.
Genome position (GRCh38, 1-based): chr17:72,121,467, A>G. VCF-style: chr17-72121467-A-G. GRCh37 (hg19) VCF-style: chr17-70117608-A-G.
Other names: short protein forms M26V.
Identifiers: ClinVar variation 700391 (VCV000700391.33), dbSNP rs575451633, ClinGen allele CA8738869.